The following is an entry in ClinVar:

NM_000059.4(BRCA2):c.9162C>G (p.Pro3054=)

Gene: BRCA2 (BRCA2 DNA repair associated; plus strand). Cytogenetic location: 13q13.1.
Variant type: single nucleotide variant.
Coding change: c.9162C>G on transcript NM_000059.4 (MANE Select); coding-DNA position 9162, C replaced by G.
Protein change: p.Pro3054=; no amino-acid change (proline 3054 retained).
Molecular consequence: synonymous variant.
Genome position (GRCh38, 1-based): chr13:32,380,051, C>G. VCF-style: chr13-32380051-C-G. GRCh37 (hg19) VCF-style: chr13-32954188-C-G.
Identifiers: ClinVar variation 427483 (VCV000427483.21), dbSNP rs778426874, ClinGen allele CA6941350.
Genomic context (GRCh38, chr13:32,380,051, plus strand): 5'-GTTTTGTTTTCTGTAGGTTTCAGATGAAATTTTATTTCAGATTTACCAGCCACGGGAGCC[C>G]CTTCACTTCAGCAAATTTTTAGATCCAGACTTTCAGCCATCTTGTTCTGAGGTGGACCTA-3'
Protein context (NP_000050.3, residues 3044-3064): ILFQIYQPRE[Pro3054=]LHFSKFLDPD

ClinVar aggregate classification (germline): Likely benign. Review status: reviewed by expert panel (3 of 4 stars). 6 submissions from 6 submitters: Likely benign (1). 5 of the submissions do not count toward it. Last evaluated 2017-06-29.

Conditions:
Hereditary cancer-predisposing syndrome. Also called: Hereditary neoplastic syndrome; Hereditary Cancer Syndrome; Neoplastic Syndromes, Hereditary; Tumor predisposition. Identifiers: Orphanet 140162, MedGen C0027672, MeSH D009386, MONDO:0015356.
Breast-ovarian cancer, familial, susceptibility to, 2 (BROVCA2). Also called: BRCA2 Hereditary Breast and Ovarian Cancer. Identifiers: Orphanet 145, MedGen C2675520, MONDO:0012933, OMIM 612555. Disease mechanism: loss of function.
Hereditary breast ovarian cancer syndrome. Also called: Hereditary breast and ovarian cancer syndrome; BRCA1- and BRCA2-Associated Hereditary Breast and Ovarian Cancer; Hereditary breast and/or ovarian cancer syndrome; Hereditary breast and ovarian cancer; Breast and ovarian cancer; Hereditary breast and ovarian cancer syndrome (HBOC). Identifiers: Orphanet 145, MedGen C0677776, MeSH D061325, MONDO:0003582. Disease mechanism: loss of function.
Malignant tumor of breast. Also called: Cancer breast; Malignant breast neoplasm. Identifiers: MedGen C0006142, MONDO:0007254. Disease mechanism: loss of function.

Allele frequency attached by ClinVar (database versions not stated): gnomAD below 0.00001 and 0.00001; gnomAD exomes 0.00001; ExAC 0.00002.
gnomAD v4.1: 10 of 1,613,922 alleles (0.00062%); highest among the groups gnomAD compares: South Asian, 0.011%; no homozygotes.

Submissions (6):

Evidence-based Network for the Interpretation of Germline Mutant Alleles (ENIGMA)
Classification: Likely benign for Breast-ovarian cancer, familial, susceptibility to, 2. Last evaluated: 2017-06-29. Review status: reviewed by expert panel. Criteria: ENIGMA BRCA1/2 Classification Criteria (2017-06-29). Collection method: curation. Allele origin: germline.
Comment: Synonymous substitution variant, with low bioinformatic likelihood to result in a splicing aberration (Splicing prior probability 0.02).

Labcorp Genetics (formerly Invitae), Labcorp
Classification: Likely benign for Hereditary breast ovarian cancer syndrome. Last evaluated: 2024-09-30. Review status: criteria provided, single submitter. Criteria: Invitae Variant Classification Sherloc (09022015). Collection method: clinical testing. Allele origin: germline. Not counted in ClinVar's aggregate classification.

Women's Health and Genetics/Laboratory Corporation of America, LabCorp
Classification: Likely benign. Last evaluated: 2023-04-27. Review status: criteria provided, single submitter. Criteria: LabCorp Variant Classification Summary - May 2015. Collection method: clinical testing. Allele origin: germline. Not counted in ClinVar's aggregate classification.

Quest Diagnostics Nichols Institute San Juan Capistrano
Classification: Likely benign. Last evaluated: 2023-01-24. Review status: criteria provided, single submitter. Criteria: Quest Diagnostics criteria. Collection method: clinical testing. Allele origin: unknown. Not counted in ClinVar's aggregate classification.

Ambry Genetics
Classification: Likely benign for Hereditary cancer-predisposing syndrome. Last evaluated: 2018-03-05. Review status: criteria provided, single submitter. Criteria: Ambry Variant Classification Scheme 2023. Collection method: clinical testing. Allele origin: germline. Not counted in ClinVar's aggregate classification.

Department of Pathology and Laboratory Medicine, Sinai Health System
Classification: Likely benign for Malignant tumor of breast. Review status: no assertion criteria provided. Collection method: clinical testing. Allele origin: unknown. Affected: yes. Observed: 1 variant allele. Study: The Canadian Open Genetics Repository (COGR). Not counted in ClinVar's aggregate classification.
Comment: The BRCA2 p.Pro3054= variant was not identified in the literature nor was it identified in the LOVD 3.0, or UMD-LSDB databases. The variant was also identified in dbSNP (ID: rs778426874) as "With Likely benign, Uncertain significance allele ", and in ClinVar (classified as likely benign by ENIGMA). The variant was identified in control databases in 2 of 246084 chromosomes at a frequency of 0.000008 (Genome Aggregation Database Feb 27, 2017). The variant was observed in the and South Asian population in 2 of 30782 chromosomes (freq: 0.00007), while the variant was not observed in the African, Other, Latino, European, Ashkenazi Jewish, East Asian, and Finnish populations. The p.Pro3054= variant is not expected to have clinical significance because it does not result in a change of amino acid and is not located in a known consensus splice site. In addition, in silico or computational prediction software programs (SpliceSiteFinder, MaxEntScan, NNSPLICE, GeneSplicer) do not predict a difference in splicing. In summary, based on the above information the clinical significance of this variant cannot be determined with certainty at this time although we would lean towards a more benign role for this variant. This variant is classified as likely benign.